The following is an entry in ClinVar:

ClinVar aggregate classification (germline): Benign/Likely benign. Review status: criteria provided, multiple submitters, no conflicts (2 of 4 stars). 7 submissions from 7 submitters: Benign (2); Likely benign (2). 3 of the submissions do not count toward it. Last evaluated 2026-06-01.

Conditions:
Immunodeficiency, common variable, 7. Identifiers: Orphanet 1572, Orphanet 696894, MedGen C3542922, MONDO:0013862, OMIM 614699.
CR2-related disorder. Also called: CR2-related disorders; CR2-related condition.

Allele frequency attached by ClinVar (database versions not stated): 1000 Genomes Project 0.00040; 1000 Genomes Project 30x 0.00047; TOPMed 0.00120; gnomAD 0.00162 and 0.00170; gnomAD exomes 0.00169 and 0.00213; ESP Exome Variant Server 0.00185; ExAC 0.00221.

Submissions (7):

CeGaT Center for Human Genetics Tuebingen
Classification: Likely benign. Last evaluated: 2026-06-01. Review status: criteria provided, single submitter. Criteria: CeGaT Center For Human Genetics Tuebingen Variant Classification Criteria Version 2. Collection method: clinical testing. Allele origin: germline. Affected: yes. Observed: 4 variant alleles.
Comment: CR2: BP4, BP7

Labcorp Genetics (formerly Invitae), Labcorp
Classification: Benign for Immunodeficiency, common variable, 7. Last evaluated: 2026-02-01. Review status: criteria provided, single submitter. Criteria: Invitae Variant Classification Sherloc (09022015). Collection method: clinical testing. Allele origin: germline.

Blueprint Genetics
Classification: Likely benign. Last evaluated: 2024-11-22. Review status: criteria provided, single submitter. Criteria: ACMG Guidelines, 2015. Collection method: clinical testing. Allele origin: germline.

Genome-Nilou Lab
Classification: Benign for Immunodeficiency, common variable, 7. Last evaluated: 2023-04-11. Review status: criteria provided, single submitter. Criteria: ACMG Guidelines, 2015. Collection method: clinical testing. Allele origin: germline. Affected: no.

PreventionGenetics, part of Exact Sciences
Classification: Likely benign for CR2-related condition. Last evaluated: 2020-02-20. Review status: no assertion criteria provided. Collection method: clinical testing. Allele origin: germline. Not counted in ClinVar's aggregate classification.
Comment: This variant is classified as likely benign based on ACMG/AMP sequence variant interpretation guidelines (Richards et al. 2015 PMID: 25741868, with internal and published modifications).

Clinical Genetics DNA and cytogenetics Diagnostics Lab, Erasmus MC, Erasmus Medical Center
Classification: Likely benign. Review status: no assertion criteria provided. Collection method: clinical testing. Allele origin: germline. Affected: yes. Study: VKGL Data-share Consensus. Not counted in ClinVar's aggregate classification.

Genome Diagnostics Laboratory, University Medical Center Utrecht
Classification: Likely benign. Review status: no assertion criteria provided. Collection method: clinical testing. Allele origin: germline. Affected: yes. Study: VKGL Data-share Consensus. Not counted in ClinVar's aggregate classification.

NM_001006658.3(CR2):c.2352T>C (p.Ile784=)

Gene: CR2 (complement C3d receptor 2; plus strand). Cytogenetic location: 1q32.2.
Variant type: single nucleotide variant.
Coding change: c.2352T>C on transcript NM_001006658.3 (MANE Select); coding-DNA position 2352, T replaced by C.
Protein change: p.Ile784=; no amino-acid change (isoleucine 784 retained).
Molecular consequence: synonymous variant.
Genome position (GRCh38, 1-based): chr1:207,474,852, T>C. VCF-style: chr1-207474852-T-C. GRCh37 (hg19) VCF-style: chr1-207648197-T-C.
Other names: c.2175T>C, p.Ile725= (NM_001877.5).
Identifiers: ClinVar variation 473096 (VCV000473096.49), dbSNP rs142319454, ClinGen allele CA1368975.
Genomic context (GRCh38, chr1:207,474,852, plus strand): 5'-CTGAAGTAGAACTCCCTAAATCTCTTCTGCAGTTATTCACTGTCACCCTCCACCAGTGAT[T>C]GTCAATGGGAAGCACACAGGCATGATGGCAGAAAACTTTCTATATGGAAATGAAGTCTCT-3'
Protein context (NP_001006659.1, residues 774-794): KVIHCHPPPV[Ile784=]VNGKHTGMMA